The following is an entry in ClinVar:

NM_005500.3(SAE1):c.841G>A (p.Gly281Ser)

Gene: SAE1 (SUMO1 activating enzyme subunit 1; plus strand). Cytogenetic location: 19q13.32.
Variant type: single nucleotide variant.
Coding change: c.841G>A on transcript NM_005500.3 (MANE Select); coding-DNA position 841, G replaced by A.
Protein change: p.Gly281Ser; replaces glycine 281 with serine.
Molecular consequence: missense variant. On other transcripts: non-coding transcript variant (1), intron variant (2).
Genome position (GRCh38, 1-based): chr19:47,197,340, G>A. VCF-style: chr19-47197340-G-A. GRCh37 (hg19) VCF-style: chr19-47700597-G-A.
Other names: c.734-6331G>A (NM_001145714.2); c.734-11819G>A (NM_001145713.2); short protein forms G281S.
Identifiers: ClinVar variation 4851741 (VCV004851741.1).
Genomic context (GRCh38, chr19:47,197,340, plus strand): 5'-ACATATGAGGAAGATTCTGAGTTGTTGCTCCAGATACGAAATGATGTGCTTGACTCACTG[G>A]GTATTAGTCCTGACCTGCTTCCTGAGGACTTTGTCAGGTTGGTGTCAGTATTTATCACTG-3'
Protein context (NP_005491.1, residues 271-291): QIRNDVLDSL[Gly281Ser]ISPDLLPEDF

ClinVar aggregate classification (germline): Uncertain significance (1 of 4 stars; one submission).

Submission:

Greenwood Genetic Center Diagnostic Laboratories, Greenwood Genetic Center
Classification: Uncertain significance. Last evaluated: 2025-01-08. Review status: criteria provided, single submitter. Criteria: ACMG Guidelines, 2015. Collection method: clinical testing. Allele origin: germline.
Comment: Gene of Uncertain Significance